The following is an entry in ClinVar:

NM_005732.4(RAD50):c.682A>G (p.Thr228Ala)

Gene: RAD50 (RAD50 double strand break repair protein; plus strand). Cytogenetic location: 5q31.1.
Variant type: single nucleotide variant.
Coding change: c.682A>G on transcript NM_005732.4 (MANE Select); coding-DNA position 682, A replaced by G.
Protein change: p.Thr228Ala; replaces threonine 228 with alanine.
Molecular consequence: missense variant.
Genome position (GRCh38, 1-based): chr5:132,579,992, A>G. VCF-style: chr5-132579992-A-G. GRCh37 (hg19) VCF-style: chr5-131915684-A-G.
Other names: short protein forms T228A.
Identifiers: ClinVar variation 826648 (VCV000826648.14), dbSNP rs1178142958, ClinGen allele CA360936482.

ClinVar aggregate classification (germline): Uncertain significance. Review status: criteria provided, multiple submitters, no conflicts (2 of 4 stars). 2 submissions from 2 submitters: Uncertain significance (2). Last evaluated 2020-06-22.

Conditions:
Hereditary cancer-predisposing syndrome. Also called: Neoplastic Syndromes, Hereditary; Tumor predisposition; Hereditary neoplastic syndrome; Hereditary Cancer Syndrome. Identifiers: Orphanet 140162, MedGen C0027672, MeSH D009386, MONDO:0015356.

Allele frequency attached by ClinVar (database versions not stated): gnomAD exomes below 0.00001.
gnomAD v4.1: 4 of 1,613,418 alleles (0.00025%); highest among the groups gnomAD compares: Non-Finnish European, 0.00025%; no homozygotes.

Submissions (2):

Labcorp Genetics (formerly Invitae), Labcorp
Classification: Uncertain significance for Hereditary cancer-predisposing syndrome. Last evaluated: 2020-06-22. Review status: criteria provided, single submitter. Criteria: Invitae Variant Classification Sherloc (09022015). Collection method: clinical testing. Allele origin: germline.
Comment: This sequence change replaces threonine with alanine at codon 228 of the RAD50 protein (p.Thr228Ala). The threonine residue is weakly conserved and there is a small physicochemical difference between threonine and alanine. This variant is not present in population databases (ExAC no frequency). This variant has not been reported in the literature in individuals with RAD50-related conditions. Algorithms developed to predict the effect of missense changes on protein structure and function output the following: SIFT: "Tolerated"; PolyPhen-2: "Benign"; Align-GVGD: "Class C0". The alanine amino acid residue is found in multiple mammalian species, suggesting that this missense change does not adversely affect protein function. These predictions have not been confirmed by published functional studies and their clinical significance is uncertain. In summary, the available evidence is currently insufficient to determine the role of this variant in disease. Therefore, it has been classified as a Variant of Uncertain Significance.

Ambry Genetics
Classification: Uncertain significance for Hereditary cancer-predisposing syndrome. Last evaluated: 2018-07-21. Review status: criteria provided, single submitter. Criteria: Ambry Variant Classification Scheme 2023. Collection method: clinical testing. Allele origin: germline.
Comment: The p.T228A variant (also known as c.682A>G), located in coding exon 5 of the RAD50 gene, results from an A to G substitution at nucleotide position 682. The threonine at codon 228 is replaced by alanine, an amino acid with similar properties. This amino acid position is not well conserved in available vertebrate species. In addition, this alteration is predicted to be tolerated by in silico analysis. Since supporting evidence is limited at this time, the clinical significance of this alteration remains unclear.